The following is an entry in ClinVar:

NC_000009.11:g.(?_97876901)_(97879682_?)del

Gene: FANCC (FA complementation group C; minus strand). Cytogenetic location: 9q22.32.
Variant type: Deletion.
Identifiers: ClinVar variation 1073431 (VCV001073431.8).

ClinVar aggregate classification (germline): Pathogenic (1 of 4 stars; one submission).

Conditions:
Fanconi anemia (FA). Also called: Fanconi's anemia. Identifiers: Orphanet 84, MedGen C0015625, MeSH D005199, MONDO:0019391.

Submission:

Labcorp Genetics (formerly Invitae), Labcorp
Classification: Pathogenic for Fanconi anemia. Last evaluated: 2022-07-19. Review status: criteria provided, single submitter. Criteria: Invitae Variant Classification Sherloc (09022015). Collection method: clinical testing. Allele origin: germline.
Comment: For these reasons, this variant has been classified as Pathogenic. This variant has not been reported in the literature in individuals affected with FANCC-related conditions. This variant is a gross deletion of the genomic region encompassing exon(s) 11-12 of the FANCC gene. This deletion is out-of-frame, and is expected to create a premature termination codon and result in an absent or disrupted protein product. Loss-of-function variants in FANCC are known to be pathogenic (PMID: 17924555).

Literature cited by the submitters: PubMed 17924555.